The following is an entry in ClinVar:

ClinVar aggregate classification (germline): Uncertain significance. Review status: criteria provided, multiple submitters, no conflicts (2 of 4 stars). 2 submissions from 2 submitters: Uncertain significance (2). Last evaluated 2025-01-31.

Conditions:
Andersen Tawil syndrome (LQT7). Also called: ANDERSEN CARDIODYSRHYTHMIC PERIODIC PARALYSIS; LONG QT SYNDROME 7; PERIODIC PARALYSIS, POTASSIUM-SENSITIVE CARDIODYSRHYTHMIC TYPE; Andersen Syndrome; Potassium-sensitive periodic paralysis, ventricular ectopy, and dysmorphic features. Identifiers: Orphanet 37553, MedGen C1563715, MONDO:0008222, OMIM 170390.
Short QT syndrome type 3. Identifiers: Orphanet 51083, MedGen C1865018, MONDO:0012314, OMIM 609622.

Submissions (2):

GeneDx
Classification: Uncertain significance. Last evaluated: 2025-01-31. Review status: criteria provided, single submitter. Criteria: GeneDx Variant Classification Process June 2021. Collection method: clinical testing. Allele origin: germline. Affected: yes.
Comment: Not observed at significant frequency in large population cohorts (gnomAD); In silico analysis supports a deleterious effect on splicing; In silico analysis indicates that this missense variant does not alter protein structure/function; Has not been previously published as pathogenic or benign to our knowledge

Labcorp Genetics (formerly Invitae), Labcorp
Classification: Uncertain significance for Short QT syndrome type 3; Andersen Tawil syndrome. Last evaluated: 2023-05-07. Review status: criteria provided, single submitter. Criteria: Invitae Variant Classification Sherloc (09022015). Collection method: clinical testing. Allele origin: germline.
Comment: An algorithm developed to predict the effect of missense changes on protein structure and function (PolyPhen-2) suggests that this variant is likely to be tolerated. In summary, the available evidence is currently insufficient to determine the role of this variant in disease. Therefore, it has been classified as a Variant of Uncertain Significance. Algorithms developed to predict the effect of sequence changes on RNA splicing suggest that this variant may create or strengthen a splice site. This variant has not been reported in the literature in individuals affected with KCNJ2-related conditions. This variant is not present in population databases (gnomAD no frequency). This sequence change replaces alanine, which is neutral and non-polar, with valine, which is neutral and non-polar, at codon 412 of the KCNJ2 protein (p.Ala412Val).

NM_000891.3(KCNJ2):c.1235C>T (p.Ala412Val)

Gene: KCNJ2 (potassium inwardly rectifying channel subfamily J member 2; plus strand). Cytogenetic location: 17q24.3.
Variant type: single nucleotide variant.
Coding change: c.1235C>T on transcript NM_000891.3 (MANE Select); coding-DNA position 1235, C replaced by T.
Protein change: p.Ala412Val; replaces alanine 412 with valine.
Molecular consequence: missense variant.
Genome position (GRCh38, 1-based): chr17:70,176,274, C>T. VCF-style: chr17-70176274-C-T. GRCh37 (hg19) VCF-style: chr17-68172415-C-T.
Other names: short protein forms A412V.
Identifiers: ClinVar variation 2947552 (VCV002947552.4), dbSNP rs2509921874, ClinGen allele CA400864130.